The following is an entry in ClinVar:

ClinVar aggregate classification (germline): Uncertain significance (1 of 4 stars; one submission).

Conditions:
Hyperekplexia 3 (HKPX3). Also called: HYPEREKPLEXIA 3, AUTOSOMAL RECESSIVE; HYPEREKPLEXIA 3, AUTOSOMAL DOMINANT. Identifiers: Orphanet 3197, MedGen C3553288, MONDO:0013827, OMIM 614618.

Allele frequency attached by ClinVar (database versions not stated): ExAC 0.00001; gnomAD 0.00001; gnomAD exomes 0.00001 and 0.00008; TOPMed 0.00002.
gnomAD v4.1: 114 of 1,613,794 alleles (0.0071%); highest among the groups gnomAD compares: Non-Finnish European, 0.0095%; no homozygotes.

Submission:

Labcorp Genetics (formerly Invitae), Labcorp
Classification: Uncertain significance for Hyperekplexia 3. Last evaluated: 2021-09-27. Review status: criteria provided, single submitter. Criteria: Invitae Variant Classification Sherloc (09022015). Collection method: clinical testing. Allele origin: germline.
Comment: This sequence change replaces alanine with threonine at codon 221 of the SLC6A5 protein (p.Ala221Thr). The alanine residue is highly conserved and there is a small physicochemical difference between alanine and threonine. This variant is present in population databases (rs768135536, ExAC 0.002%). This variant has not been reported in the literature in individuals affected with SLC6A5-related conditions. Advanced modeling of protein sequence and biophysical properties (such as structural, functional, and spatial information, amino acid conservation, physicochemical variation, residue mobility, and thermodynamic stability) performed at Invitae indicates that this missense variant is not expected to disrupt SLC6A5 protein function. In summary, the available evidence is currently insufficient to determine the role of this variant in disease. Therefore, it has been classified as a Variant of Uncertain Significance.

NM_004211.5(SLC6A5):c.661G>A (p.Ala221Thr)

Gene: SLC6A5 (solute carrier family 6 member 5; plus strand). Cytogenetic location: 11p15.1.
Variant type: single nucleotide variant.
Coding change: c.661G>A on transcript NM_004211.5 (MANE Select); coding-DNA position 661, G replaced by A.
Protein change: p.Ala221Thr; replaces alanine 221 with threonine.
Molecular consequence: missense variant. On other transcripts: intron variant (1).
Genome position (GRCh38, 1-based): chr11:20,604,406, G>A. VCF-style: chr11-20604406-G-A. GRCh37 (hg19) VCF-style: chr11-20625952-G-A.
Other names: c.-23-2601G>A (NM_001318369.2); short protein forms A221T.
Identifiers: ClinVar variation 1436680 (VCV001436680.3), dbSNP rs768135536, ClinGen allele CA5921152.